The following is an entry in ClinVar:

ClinVar aggregate classification (germline): Uncertain significance (1 of 4 stars; one submission).

Conditions:
Progressive sclerosing poliodystrophy (MTDPS4A). Also called: Mitochondrial DNA depletion syndrome 4A (Alpers type); Mitochondrial DNA Depletion Syndrome 4A; Alpers Syndrome; ALPERS DIFFUSE DEGENERATION OF CEREBRAL GRAY MATTER WITH HEPATIC CIRRHOSIS; Alpers-Huttenlocher Syndrome; ALPERS PROGRESSIVE INFANTILE POLIODYSTROPHY. Identifiers: Orphanet 726, MedGen C0205710, MONDO:0008758, OMIM 203700.

Submission:

Labcorp Genetics (formerly Invitae), Labcorp
Classification: Uncertain significance for Progressive sclerosing poliodystrophy. Last evaluated: 2021-01-11. Review status: criteria provided, single submitter. Criteria: Invitae Variant Classification Sherloc (09022015). Collection method: clinical testing. Allele origin: germline.
Comment: This sequence change replaces glycine with arginine at codon 38 of the POLG protein (p.Gly38Arg). The glycine residue is weakly conserved and there is a moderate physicochemical difference between glycine and arginine. This variant is not present in population databases (ExAC no frequency). This variant has not been reported in the literature in individuals with POLG-related disease. Algorithms developed to predict the effect of missense changes on protein structure and function (SIFT, PolyPhen-2, Align-GVGD) all suggest that this variant is likely to be tolerated, but these predictions have not been confirmed by published functional studies and their clinical significance is uncertain. In summary, the available evidence is currently insufficient to determine the role of this variant in disease. Therefore, it has been classified as a Variant of Uncertain Significance.

NM_002693.3(POLG):c.112G>C (p.Gly38Arg)

Genes: POLG (DNA polymerase gamma, catalytic subunit; minus strand), POLGARF (POLG alternative reading frame; minus strand). Cytogenetic location: 15q26.1.
Variant type: single nucleotide variant.
Coding change: c.112G>C on transcript NM_002693.3 (MANE Select); coding-DNA position 112, G replaced by C.
Protein change: p.Gly38Arg; replaces glycine 38 with arginine.
Molecular consequence: missense variant.
Genome position (GRCh38, 1-based): chr15:89,333,643, C>G on the plus strand (G>C on the coding strand, the complement: POLG is on the minus strand). VCF-style: chr15-89333643-C-G. GRCh37 (hg19) VCF-style: chr15-89876874-C-G.
Other names: c.112G>C, p.Gly38Arg (NM_001126131.2); short protein forms G38R.
Identifiers: ClinVar variation 577782 (VCV000577782.9), dbSNP rs866945104, ClinGen allele CA393774699.